The following is an entry in ClinVar:

ClinVar aggregate classification (germline): Uncertain significance (1 of 4 stars; one submission).

Allele frequency attached by ClinVar (database versions not stated): gnomAD 0.00011; ExAC 0.00006; ESP Exome Variant Server 0.00008; TOPMed 0.00016; gnomAD exomes 0.00002; 1000 Genomes Project 30x 0.00031; 1000 Genomes Project 0.00040.
gnomAD v4.1: 48 of 1,597,950 alleles (0.003%); highest among the groups gnomAD compares: African/African-American, 0.051%; no homozygotes.

Submission:

Labcorp Genetics (formerly Invitae), Labcorp
Classification: Uncertain significance. Last evaluated: 2025-06-12. Review status: criteria provided, single submitter. Criteria: Invitae Variant Classification Sherloc (09022015). Collection method: clinical testing. Allele origin: germline.
Comment: This sequence change replaces histidine, which is basic and polar, with tyrosine, which is neutral and polar, at codon 783 of the XPO5 protein (p.His783Tyr). This variant is present in population databases (rs367681038, gnomAD 0.05%). This variant has not been reported in the literature in individuals affected with XPO5-related conditions. ClinVar contains an entry for this variant (Variation ID: 1968326). An algorithm developed to predict the effect of missense changes on protein structure and function outputs the following: PolyPhen-2: "Benign". The tyrosine amino acid residue is found in multiple mammalian species, which suggests that this missense change does not adversely affect protein function. In summary, the available evidence is currently insufficient to determine the role of this variant in disease. Therefore, it has been classified as a Variant of Uncertain Significance.

NM_020750.3(XPO5):c.2347C>T (p.His783Tyr)

Genes: POLR1C (RNA polymerase I and III subunit C; plus strand), XPO5 (exportin 5; minus strand). Cytogenetic location: 6p21.1.
Variant type: single nucleotide variant.
Coding change: c.2347C>T on transcript NM_020750.3 (MANE Select); coding-DNA position 2347, C replaced by T.
Protein change: p.His783Tyr; replaces histidine 783 with tyrosine.
Molecular consequence: missense variant. On other transcripts: non-coding transcript variant (1), intron variant (1).
Genome position (GRCh38, 1-based): chr6:43,534,003, G>A on the plus strand (C>T on the coding strand, the complement: XPO5 is on the minus strand). VCF-style: chr6-43534003-G-A. GRCh37 (hg19) VCF-style: chr6-43501740-G-A.
Other names: c.922+12955G>A (NM_001363658.2); short protein forms H783Y.
Identifiers: ClinVar variation 1968326 (VCV001968326.4), dbSNP rs367681038, ClinGen allele CA3826170.
Genomic context (GRCh38, chr6:43,534,003, plus strand): 5'-GAGCCTTGGTGAAAGGCTCTGCCATTTTGGCTAGCATTTCTGGTGCATATAATGTATTGT[G>A]GGTTCTGAAAGAAACAAGAATGCTATTGAGCTTTTCCATCTGATGCAGAAGGAAAGAGTG-3'
Protein context (NP_065801.1, residues 773-793): LDNLLALIRT[His783Tyr]NTLYAPEMLA